The following is an entry in ClinVar:

NM_001287491.2(TET3):c.2980A>C (p.Lys994Gln)

Gene: TET3 (tet methylcytosine dioxygenase 3; plus strand). Cytogenetic location: 2p13.1.
Variant type: single nucleotide variant.
Coding change: c.2980A>C on transcript NM_001287491.2 (MANE Select); coding-DNA position 2980, A replaced by C.
Protein change: p.Lys994Gln; replaces lysine 994 with glutamine.
Molecular consequence: missense variant.
Genome position (GRCh38, 1-based): chr2:74,089,988, A>C. VCF-style: chr2-74089988-A-C. GRCh37 (hg19) VCF-style: chr2-74317115-A-C.
Other names: c.2701A>C, p.Lys901Gln (NM_001366022.1); c.2575A>C, p.Lys859Gln (NM_144993.1); short protein forms K901Q, K859Q, K994Q.
Identifiers: ClinVar variation 2292928 (VCV002292928.3), dbSNP rs2467635159, ClinGen allele CA347311928.

ClinVar aggregate classification (germline): Likely pathogenic (1 of 4 stars; one submission).

Conditions:
Inborn genetic diseases. Identifiers: MedGen C0950123, MeSH D030342.

Submission:

Ambry Genetics
Classification: Likely pathogenic for Inborn genetic diseases. Last evaluated: 2024-09-26. Review status: criteria provided, single submitter. Criteria: Ambry Variant Classification Scheme 2023. Collection method: clinical testing. Allele origin: germline.
Comment: The c.2575A>C (p.K859Q) alteration is located in exon 5 (coding exon 5) of the TET3 gene. This alteration results from an A to C substitution at nucleotide position 2575, causing the lysine (K) at amino acid position 859 to be replaced by a glutamine (Q). This variant was not reported in population-based cohorts in the Genome Aggregation Database (gnomAD). This amino acid position is highly conserved in available vertebrate species. This missense alteration is located in a region that has a low rate of benign missense variation (Lek, 2016; Firth, 2009). This alteration is predicted to be deleterious by in silico analysis. Based on the available evidence, this alteration is classified as likely pathogenic.